The following is an entry in ClinVar:

NM_000059.4(BRCA2):c.4025G>T (p.Ser1342Ile)

Gene: BRCA2 (BRCA2 DNA repair associated; plus strand). Cytogenetic location: 13q13.1.
Variant type: single nucleotide variant.
Coding change: c.4025G>T on transcript NM_000059.4 (MANE Select); coding-DNA position 4025, G replaced by T.
Protein change: p.Ser1342Ile; replaces serine 1342 with isoleucine.
Molecular consequence: missense variant.
Genome position (GRCh38, 1-based): chr13:32,338,380, G>T. VCF-style: chr13-32338380-G-T. GRCh37 (hg19) VCF-style: chr13-32912517-G-T.
Other names: c.4025G>T, p.Ser1342Ile (NM_001406719.1, NM_001406720.1); short protein forms S1342I.
Identifiers: ClinVar variation 1737140 (VCV001737140.4), dbSNP rs1270552356, ClinGen allele CA387779052.

ClinVar aggregate classification (germline): Conflicting classifications of pathogenicity. Review status: criteria provided, conflicting classifications (1 of 4 stars). 2 submissions from 2 submitters: Uncertain significance (1); Likely benign (1). Last evaluated 2023-03-23.

Conditions:
Hereditary cancer-predisposing syndrome. Also called: Neoplastic Syndromes, Hereditary; Tumor predisposition; Hereditary Cancer Syndrome; Hereditary neoplastic syndrome. Identifiers: Orphanet 140162, MedGen C0027672, MeSH D009386, MONDO:0015356.

Submissions (2):

University of Washington Department of Laboratory Medicine, University of Washington
Classification: Likely benign for Hereditary cancer-predisposing syndrome. Last evaluated: 2023-03-23. Review status: criteria provided, single submitter. Criteria: Dines et al. (Genet Med. 2020). Collection method: curation. Allele origin: germline.
Comment: Missense variant in a coldspot region where missense variants are very unlikely to be pathogenic (PMID:31911673).

BRCA2 exon 11 coldspot. Reclassification based on statistical prior probability.

Ambry Genetics
Classification: Uncertain significance for Hereditary cancer-predisposing syndrome. Last evaluated: 2021-12-11. Review status: criteria provided, single submitter. Criteria: Ambry Variant Classification Scheme 2023. Collection method: clinical testing. Allele origin: germline.
Comment: The p.S1342I variant (also known as c.4025G>T), located in coding exon 10 of the BRCA2 gene, results from a G to T substitution at nucleotide position 4025. The serine at codon 1342 is replaced by isoleucine, an amino acid with dissimilar properties. This amino acid position is conserved. In addition, this alteration is predicted to be tolerated by in silico analysis. Since supporting evidence is limited at this time, the clinical significance of this alteration remains unclear.